The following is an entry in ClinVar:

ClinVar aggregate classification (germline): Conflicting classifications of pathogenicity. Review status: criteria provided, conflicting classifications (1 of 4 stars). 2 submissions from 2 submitters: Uncertain significance (1); Likely benign (1). Last evaluated 2026-07-30.

Conditions:
Hereditary cancer-predisposing syndrome. Also called: Hereditary Cancer Syndrome; Tumor predisposition; Neoplastic Syndromes, Hereditary; Hereditary neoplastic syndrome. Identifiers: Orphanet 140162, MedGen C0027672, MeSH D009386, MONDO:0015356.
Peutz-Jeghers syndrome (PJS). Also called: POLYPOSIS, HAMARTOMATOUS INTESTINAL; POLYPS-AND-SPOTS SYNDROME; Peutz-Jeghers polyposis; Periorificial lentiginosis syndrome. Identifiers: Orphanet 2869, MedGen C0031269, MeSH D010580, MONDO:0008280, OMIM 175200.

Allele frequency attached by ClinVar (database versions not stated): TOPMed below 0.00001.

Submissions (2):

Ambry Genetics
Classification: Likely benign for Hereditary cancer-predisposing syndrome. Last evaluated: 2026-07-30. Review status: criteria provided, single submitter. Criteria: Ambry Variant Classification Scheme 2023. Collection method: clinical testing. Allele origin: germline.

Labcorp Genetics (formerly Invitae), Labcorp
Classification: Uncertain significance for Peutz-Jeghers syndrome. Last evaluated: 2021-03-17. Review status: criteria provided, single submitter. Criteria: Invitae Variant Classification Sherloc (09022015). Collection method: clinical testing. Allele origin: germline.
Comment: Advanced modeling of protein sequence and biophysical properties (such as structural, functional, and spatial information, amino acid conservation, physicochemical variation, residue mobility, and thermodynamic stability) performed at Invitae indicates that this missense variant is not expected to disrupt STK11 protein function. In summary, the available evidence is currently insufficient to determine the role of this variant in disease. Therefore, it has been classified as a Variant of Uncertain Significance. This variant has not been reported in the literature in individuals with STK11-related conditions. This variant is not present in population databases (ExAC no frequency). This sequence change replaces lysine with arginine at codon 329 of the STK11 protein (p.Lys329Arg). The lysine residue is moderately conserved and there is a small physicochemical difference between lysine and arginine.

NM_000455.5(STK11):c.986A>G (p.Lys329Arg)

Genes: STK11 (serine/threonine kinase 11; plus strand), LOC130062899 (ATAC-STARR-seq lymphoblastoid active region 13597; plus strand). Cytogenetic location: 19p13.3.
Variant type: single nucleotide variant.
Coding change: c.986A>G on transcript NM_000455.5 (MANE Select); coding-DNA position 986, A replaced by G.
Protein change: p.Lys329Arg; replaces lysine 329 with arginine.
Molecular consequence: missense variant.
Genome position (GRCh38, 1-based): chr19:1,223,050, A>G. VCF-style: chr19-1223050-A-G. GRCh37 (hg19) VCF-style: chr19-1223049-A-G.
Other names: c.986A>G (NM_000455.4); short protein forms K329R.
Identifiers: ClinVar variation 1517142 (VCV001517142.10), dbSNP rs2080796505, ClinGen allele CA402951621.
Genomic context (GRCh38, chr19:1,223,050, plus strand): 5'-TCCGGAAGAAACATCCTCCGGCTGAAGCACCAGTGCCCATCCCACCGAGCCCAGACACCA[A>G]GGACCGGTGGCGCAGCATGACTGTGGTGCCGTACTTGGAGGACCTGCACGGCGCGGACGA-3'
Protein context (NP_000446.1, residues 319-339): PVPIPPSPDT[Lys329Arg]DRWRSMTVVP